The following is an entry in ClinVar:

NM_014491.4(FOXP2):c.-11+1G>C

Gene: FOXP2 (forkhead box P2; plus strand). Cytogenetic location: 7q31.1.
Variant type: single nucleotide variant.
Coding change: c.-11+1G>C on transcript NM_014491.4 (MANE Select); the canonical splice donor site of the intron after 11 bases upstream of the start codon, G replaced by C.
Molecular consequence: splice donor variant.
Genome position (GRCh38, 1-based): chr7:114,415,361, G>C. VCF-style: chr7-114415361-G-C. GRCh37 (hg19) VCF-style: chr7-114055416-G-C.
Other names: c.-11+1G>C (NM_001172766.3, NM_148898.4, NM_148900.4).
Identifiers: ClinVar variation 4819527 (VCV004819527.1).

ClinVar aggregate classification (germline): Uncertain significance (1 of 4 stars; one submission).

gnomAD v4.1: 1 of 446,068 alleles (0.00022%); highest among the groups gnomAD compares: Non-Finnish European, 0.00045%; no homozygotes.

Submission:

GeneDx
Classification: Uncertain significance. Last evaluated: 2025-10-03. Review status: criteria provided, single submitter. Criteria: GeneDx Variant Classification Process June 2021. Collection method: clinical testing. Allele origin: germline. Affected: yes.
Comment: Not observed at significant frequency in large population cohorts (gnomAD); In silico analysis supports a deleterious effect on splicing; Has not been previously published as pathogenic or benign to our knowledge; Located in a regulatory region; in the absence of functional studies, the actual effect of this sequence change is unknown